The following is an entry in ClinVar:

NM_020877.5(DNAH2):c.4597C>T (p.Arg1533Cys)

Gene: DNAH2 (dynein axonemal heavy chain 2; plus strand). Cytogenetic location: 17p13.1.
Variant type: single nucleotide variant.
Coding change: c.4597C>T on transcript NM_020877.5 (MANE Select); coding-DNA position 4597, C replaced by T.
Protein change: p.Arg1533Cys; replaces arginine 1533 with cysteine.
Molecular consequence: missense variant.
Genome position (GRCh38, 1-based): chr17:7,774,854, C>T. VCF-style: chr17-7774854-C-T. GRCh37 (hg19) VCF-style: chr17-7678172-C-T.
Other names: c.4597C>T (NM_020877.2); short protein forms R1533C.
Identifiers: ClinVar variation 3382777 (VCV003382777.3).
Genomic context (GRCh38, chr17:7,774,854, plus strand): 5'-CTGGAAGATATTCAGAAATCTCTGGATATGTATTTAGAGACCAAGCGACATATTTTCCCC[C>T]GCTTCTACTTCTTGTCCAATGATGACCTGCTGGAGATTCTGGGCCAGTCCCGAAACCCAG-3'
Protein context (NP_065928.2, residues 1523-1543): YLETKRHIFP[Arg1533Cys]FYFLSNDDLL

ClinVar aggregate classification (germline): Uncertain significance. Review status: criteria provided, multiple submitters, no conflicts (2 of 4 stars). 2 submissions from 2 submitters: Uncertain significance (2). Last evaluated 2024-06-28.

Conditions:
Inborn genetic diseases. Identifiers: MedGen C0950123, MeSH D030342.
Spermatogenic failure 45. Identifiers: MedGen C5436791, MONDO:0033671, OMIM 619094.

gnomAD v4.1: 10 of 1,614,102 alleles (0.00062%); highest among the groups gnomAD compares: African/African-American, 0.004%; no homozygotes.

Submissions (2):

Ambry Genetics
Classification: Uncertain significance for Inborn genetic diseases. Last evaluated: 2024-06-28. Review status: criteria provided, single submitter. Criteria: Ambry Variant Classification Scheme 2023. Collection method: clinical testing. Allele origin: germline.

Juno Genomics, Hangzhou Juno Genomics, Inc
Classification: Uncertain significance for Spermatogenic failure 45. Review status: criteria provided, single submitter. Criteria: ACMG Guidelines, 2015. Collection method: clinical testing. Allele origin: germline. Affected: yes.
Comment: Absent from controls (or at extremely low frequency if recessive) in Genome Aggregation Database, Exome Sequencing Project, 1000 Genomes Project, or Exome Aggregation Consortium.;Multiple lines of computational evidence support a deleterious effect on the gene or gene product (conservation, evolutionary, splicing impact, etc).;Patient's phenotype or family history is highly specific for a disease with a single genetic etiology.